The following is an entry in ClinVar:

NM_000321.3(RB1):c.2694G>T (p.Gln898His)

Gene: RB1 (RB transcriptional corepressor 1; plus strand). Cytogenetic location: 13q14.2.
Variant type: single nucleotide variant.
Coding change: c.2694G>T on transcript NM_000321.3 (MANE Select); coding-DNA position 2694, G replaced by T.
Protein change: p.Gln898His; replaces glutamine 898 with histidine.
Molecular consequence: missense variant.
Genome position (GRCh38, 1-based): chr13:48,477,385, G>T. VCF-style: chr13-48477385-G-T. GRCh37 (hg19) VCF-style: chr13-49051521-G-T.
Other names: short protein forms Q898H.
Identifiers: ClinVar variation 458157 (VCV000458157.9), dbSNP rs757275103, ClinGen allele CA037046.
Genomic context (GRCh38, chr13:48,477,385, plus strand): 5'-TGAAATGTTTTGCATTTTTTTAATCTGCAGTAAACATCTCCCAGGAGAGTCCAAATTTCA[G>T]CAGAAACTGGCAGAAATGAGTAAGTACTTTTTTCACCTTGTGTAAATGAAATAAACAATT-3'
Protein context (NP_000312.2, residues 888-908): SKHLPGESKF[Gln898His]QKLAEMTSTR

ClinVar aggregate classification (germline): Conflicting classifications of pathogenicity. Review status: criteria provided, conflicting classifications (1 of 4 stars). 4 submissions from 4 submitters: Uncertain significance (2); Likely benign (2). Last evaluated 2025-03-19.

Conditions:
Hereditary cancer-predisposing syndrome. Also called: Neoplastic Syndromes, Hereditary; Tumor predisposition; Hereditary Cancer Syndrome; Hereditary neoplastic syndrome. Identifiers: Orphanet 140162, MedGen C0027672, MeSH D009386, MONDO:0015356.
Malignant tumor of urinary bladder. Also called: Urinary Bladder Neoplasms; Bladder cancer; Urinary bladder cancer. Identifiers: MedGen C0005684, MONDO:0001187, OMIM 109800.
Retinoblastoma (RB1). Also called: RETINOBLASTOMA, SOMATIC. Identifiers: Orphanet 790, MedGen C0035335, MeSH D012175, MONDO:0008380, OMIM 180200, HP:0009919. Disease mechanism: loss of function. Inheritance: Both sporadic and heritable forms are tested..

Allele frequency attached by ClinVar (database versions not stated): gnomAD exomes 0.00001; ExAC 0.00002.
gnomAD v4.1: 7 of 1,608,370 alleles (0.00044%); highest among the groups gnomAD compares: South Asian, 0.0077%; no homozygotes.

Submissions (4):

Ambry Genetics
Classification: Likely benign for Hereditary cancer-predisposing syndrome. Last evaluated: 2025-03-19. Review status: criteria provided, single submitter. Criteria: Ambry Variant Classification Scheme 2023. Collection method: clinical testing. Allele origin: germline.

Baylor Genetics
Classification: Uncertain significance for Malignant tumor of urinary bladder. Last evaluated: 2023-09-09. Review status: criteria provided, single submitter. Criteria: ACMG Guidelines, 2015. Collection method: clinical testing. Allele origin: unknown.

All of Us Research Program, National Institutes of Health
Classification: Likely benign for Retinoblastoma. Last evaluated: 2023-06-26. Review status: criteria provided, single submitter. Criteria: ACMG Guidelines, 2015. Collection method: clinical testing. Allele origin: germline. Inheritance: Autosomal dominant inheritance. Observed: 1 variant allele, 1 heterozygote.
Comment: This study involves interpretation of variants in research participants for the purpose of population health screening. Participant phenotype was not available at the time of variant classification. Additional details can be found in publication PMID: 35346344, PMCID: PMC8962531

Labcorp Genetics (formerly Invitae), Labcorp
Classification: Uncertain significance for Retinoblastoma. Last evaluated: 2023-06-23. Review status: criteria provided, single submitter. Criteria: Invitae Variant Classification Sherloc (09022015). Collection method: clinical testing. Allele origin: germline.
Comment: Advanced modeling of protein sequence and biophysical properties (such as structural, functional, and spatial information, amino acid conservation, physicochemical variation, residue mobility, and thermodynamic stability) has been performed at Invitae for this missense variant, however the output from this modeling did not meet the statistical confidence thresholds required to predict the impact of this variant on RB1 protein function. In summary, the available evidence is currently insufficient to determine the role of this variant in disease. Therefore, it has been classified as a Variant of Uncertain Significance. ClinVar contains an entry for this variant (Variation ID: 458157). This variant has not been reported in the literature in individuals affected with RB1-related conditions. This variant is present in population databases (rs757275103, gnomAD 0.007%). This sequence change replaces glutamine, which is neutral and polar, with histidine, which is basic and polar, at codon 898 of the RB1 protein (p.Gln898His).